The following is an entry in ClinVar:

ClinVar aggregate classification (germline): Uncertain significance (1 of 4 stars; one submission).

Submission:

GeneDx
Classification: Uncertain significance. Last evaluated: 2022-05-23. Review status: criteria provided, single submitter. Criteria: GeneDx Variant Classification Process June 2021. Collection method: clinical testing. Allele origin: germline. Affected: yes.
Comment: Not observed at significant frequency in large population cohorts (gnomAD); In silico analysis supports that this missense variant has a deleterious effect on protein structure/function; Has not been previously published as pathogenic or benign to our knowledge

NM_015001.3(SPEN):c.4454C>G (p.Ser1485Cys)

Gene: SPEN (spen family transcriptional repressor; plus strand). Cytogenetic location: 1p36.13.
Variant type: single nucleotide variant.
Coding change: c.4454C>G on transcript NM_015001.3 (MANE Select); coding-DNA position 4454, C replaced by G.
Protein change: p.Ser1485Cys; replaces serine 1485 with cysteine.
Molecular consequence: missense variant.
Genome position (GRCh38, 1-based): chr1:15,930,694, C>G. VCF-style: chr1-15930694-C-G. GRCh37 (hg19) VCF-style: chr1-16257189-C-G.
Other names: short protein forms S1485C.
Identifiers: ClinVar variation 1800857 (VCV001800857.1), dbSNP rs2523080145, ClinGen allele CA338614602.
Genomic context (GRCh38, chr1:15,930,694, plus strand): 5'-TTGATTGGGACTCCCGATTTGCAAATTTTCGAAACAACAAAGATAAAGAAAAGGTTGACT[C>G]TGCTCCAAGACCTATTCCATCCTGGTACATGAAAAAGAAGAAAATTAGGACTGATTCAGA-3'
Protein context (NP_055816.2, residues 1475-1495): RNNKDKEKVD[Ser1485Cys]APRPIPSWYM